The following is an entry in ClinVar:

ClinVar aggregate classification (germline): Benign. Review status: criteria provided, single submitter (1 of 4 stars). 2 submissions from 2 submitters: Benign (1). 1 of the submissions does not count toward it. Last evaluated 2016-02-18.

Conditions:
NRXN2-related disorder. Also called: NRXN2-related condition.

Allele frequency attached by ClinVar (database versions not stated): ExAC 0.00021; ESP Exome Variant Server 0.00046; gnomAD 0.00079 and 0.00086; TOPMed 0.00101; 1000 Genomes Project 0.00140; 1000 Genomes Project 30x 0.00156.
gnomAD v4.1: 328 of 1,596,314 alleles (0.021%); highest among the groups gnomAD compares: African/African-American, 0.24%; 1 homozygote.

Submissions (2):

Genetic Services Laboratory, University of Chicago
Classification: Benign. Last evaluated: 2016-02-18. Review status: criteria provided, single submitter. Criteria: ACMG Guidelines, 2015. Collection method: clinical testing. Allele origin: germline. Affected: no.

PreventionGenetics, part of Exact Sciences
Classification: Likely benign for NRXN2-related condition. Last evaluated: 2022-04-11. Review status: no assertion criteria provided. Collection method: clinical testing. Allele origin: germline. Not counted in ClinVar's aggregate classification.
Comment: This variant is classified as likely benign based on ACMG/AMP sequence variant interpretation guidelines (Richards et al. 2015 PMID: 25741868, with internal and published modifications).

NM_015080.4(NRXN2):c.3757+9C>T

Gene: NRXN2 (neurexin 2; minus strand). Cytogenetic location: 11q13.1.
Variant type: single nucleotide variant.
Coding change: c.3757+9C>T on transcript NM_015080.4 (MANE Select); 9 bases into the intron after coding-DNA position 3757, C replaced by T.
Molecular consequence: intron variant.
Genome position (GRCh38, 1-based): chr11:64,630,393, G>A on the plus strand (C>T on the coding strand, the complement: NRXN2 is on the minus strand). VCF-style: chr11-64630393-G-A. GRCh37 (hg19) VCF-style: chr11-64397865-G-A.
Other names: c.3637+9C>T (NM_138732.3); c.3733+9C>T (NM_001376266.1); c.3712+9C>T (NM_001376265.1); c.3736+9C>T (NM_001376267.1, NM_001376263.1); c.3757+9C>T (NM_001376262.1, NM_015080.3); c.619+9C>T (NM_138734.3).
Identifiers: ClinVar variation 211707 (VCV000211707.8), dbSNP rs376552947, ClinGen allele CA207322.